The following is an entry in ClinVar:

NM_003283.6(TNNT1):c.200A>C (p.His67Pro)

Genes: TNNT1 (troponin T1, slow skeletal type; minus strand), LOC130065089 (ATAC-STARR-seq lymphoblastoid active region 15077; plus strand). Cytogenetic location: 19q13.42.
Variant type: single nucleotide variant.
Coding change: c.200A>C on transcript NM_003283.6 (MANE Select); coding-DNA position 200, A replaced by C.
Protein change: p.His67Pro; replaces histidine 67 with proline.
Molecular consequence: missense variant.
Genome position (GRCh38, 1-based): chr19:55,141,295, T>G on the plus strand (A>C on the coding strand, the complement: TNNT1 is on the minus strand). VCF-style: chr19-55141295-T-G. GRCh37 (hg19) VCF-style: chr19-55652663-T-G.
Other names: c.200A>C, p.His67Pro (NM_001126132.3); c.167A>C, p.His56Pro (NM_001126133.3, NM_001291774.2); short protein forms H67P, H56P.
Identifiers: ClinVar variation 639062 (VCV000639062.9), dbSNP rs1555858107, ClinGen allele CA407435738.

ClinVar aggregate classification (germline): Uncertain significance (1 of 4 stars; one submission).

Conditions:
Nemaline myopathy 5 (NEM5A). Also called: Nemaline myopathy 5, Amish type; NEMALINE MYOPATHY, AMISH TYPE; NEMALINE MYOPATHY 5A, AUTOSOMAL RECESSIVE, SEVERE INFANTILE. Identifiers: Orphanet 98902, MedGen C1854380, MONDO:0011539, OMIM 605355.

Allele frequency attached by ClinVar (database versions not stated): gnomAD exomes below 0.00001.
gnomAD v4.1: 1 of 1,614,000 alleles (0.000062%); highest among the groups gnomAD compares: Middle Eastern, 0.016%; no homozygotes.

Submission:

Labcorp Genetics (formerly Invitae), Labcorp
Classification: Uncertain significance for Nemaline myopathy 5. Last evaluated: 2018-12-24. Review status: criteria provided, single submitter. Criteria: Invitae Variant Classification Sherloc (09022015). Collection method: clinical testing. Allele origin: germline.
Comment: This sequence change replaces histidine with proline at codon 67 of the TNNT1 protein (p.His67Pro). The histidine residue is highly conserved and there is a moderate physicochemical difference between histidine and proline. This variant is not present in population databases (ExAC no frequency). This variant has not been reported in the literature in individuals with TNNT1-related conditions. Algorithms developed to predict the effect of missense changes on protein structure and function are either unavailable or do not agree on the potential impact of this missense change (SIFT: "Deleterious"; PolyPhen-2: "Probably Damaging"; Align-GVGD: "Class C0"). In summary, the available evidence is currently insufficient to determine the role of this variant in disease. Therefore, it has been classified as a Variant of Uncertain Significance.